The following is an entry in ClinVar:

ClinVar aggregate classification (germline): Uncertain significance. Review status: criteria provided, multiple submitters, no conflicts (2 of 4 stars). 2 submissions from 2 submitters: Uncertain significance (2). Last evaluated 2021-10-02.

Conditions:
Hypertrophic cardiomyopathy 9. Also called: Familial hypertrophic cardiomyopathy 9. Identifiers: MedGen C1861065, MONDO:0013412, OMIM 613765.
Tibial muscular dystrophy (TMD). Also called: UDD MYOPATHY; Udd Distal Myopathy – Tibial Muscular Dystrophy; Tibial muscular dystrophy, tardive. Identifiers: Orphanet 609, MedGen C1838244, MONDO:0010870, OMIM 600334.
Early-onset myopathy with fatal cardiomyopathy (CMYO5). Also called: Salih Myopathy; CONGENITAL MYOPATHY 5 WITH CARDIOMYOPATHY. Identifiers: Orphanet 289377, MedGen C2673677, MONDO:0012714, OMIM 611705. Disease mechanism: loss of function.
Myopathy, myofibrillar, 9, with early respiratory failure (MFM9). Also called: MYOPATHY, PROXIMAL, WITH EARLY RESPIRATORY MUSCLE INVOLVEMENT; Hereditary myopathy with early respiratory failure; EDSTROM MYOPATHY; Myopathy, distal, with early respiratory failure, autosomal dominant. Identifiers: Orphanet 178464, Orphanet 34521, MedGen C1863599, MONDO:0011362, OMIM 603689.
Dilated cardiomyopathy 1G (CMD1G). Identifiers: Orphanet 154, MedGen C1858763, MONDO:0011400, OMIM 604145.
Autosomal recessive limb-girdle muscular dystrophy type 2J (LGMDR10). Also called: Limb-girdle muscular dystrophy, type 2J; MUSCULAR DYSTROPHY, LIMB-GIRDLE, AUTOSOMAL RECESSIVE 10. Identifiers: Orphanet 140922, MedGen C1837342, MONDO:0012127, OMIM 608807.

Submissions (2):

Fulgent Genetics
Classification: Uncertain significance for Tibial muscular dystrophy; Myopathy, myofibrillar, 9, with early respiratory failure; Dilated cardiomyopathy 1G; Autosomal recessive limb-girdle muscular dystrophy type 2J; Early-onset myopathy with fatal cardiomyopathy; Hypertrophic cardiomyopathy 9. Last evaluated: 2021-10-02. Review status: criteria provided, single submitter. Criteria: ACMG Guidelines, 2015. Collection method: clinical testing. Allele origin: unknown.

GeneDx
Classification: Uncertain significance. Last evaluated: 2021-04-08. Review status: criteria provided, single submitter. Criteria: GeneDx Variant Classification (06012015). Collection method: clinical testing. Allele origin: germline. Affected: yes.
Comment: Frameshift variant located in the I-band region that does not affect one of the constitutive exons; studies suggest that truncating variants affecting constitutive exons throughout the TTN gene are significantly associated with DCM (Deo, 2016; Schafer et al., 2017) Observed in 1/31156 (0.0032%) alleles in large population cohorts (Lek et al., 2016) Has not been previously published as pathogenic or benign to our knowledge

NM_001267550.2(TTN):c.38919del (p.Leu12974fs)

Gene: TTN (titin; minus strand). Cytogenetic location: 2q31.2.
Variant type: Deletion.
Coding change: c.38919del on transcript NM_001267550.2 (MANE Select); coding-DNA position 38919, one base deleted (C; older notation c.38919delC).
Protein change: p.Leu12974fs; shifts the reading frame from leucine 12974.
Molecular consequence: frameshift variant. On other transcripts: intron variant (5).
Genome position (GRCh38, 1-based): chr2:178,652,888, G deleted on the plus strand (C on the coding strand, the reverse complement: TTN is on the minus strand); the first of 3 consecutive G bases (chr2:178,652,888-178,652,890); deleting any one gives the same sequence. VCF-style (leftmost placement, unchanged base first): chr2-178652887-AG-A. GRCh37 (hg19) VCF-style: chr2-179517614-AG-A.
Other names: c.13283-10571del (NM_003319.4); c.13859-10571del (NM_133437.4); c.13658-10571del (NM_133432.3); c.31742-347del (NM_133378.4); c.34523-347del (NM_001256850.1); short protein forms L12974fs.
Identifiers: ClinVar variation 1065521 (VCV001065521.2), dbSNP rs1359574718, ClinGen allele CA430108143.